The following is an entry in ClinVar:

NM_014516.4(CNOT3):c.766C>T (p.Gln256Ter)

Gene: CNOT3 (CCR4-NOT transcription complex subunit 3; plus strand). Cytogenetic location: 19q13.42.
Variant type: single nucleotide variant.
Coding change: c.766C>T on transcript NM_014516.4 (MANE Select); coding-DNA position 766, C replaced by T.
Protein change: p.Gln256Ter; replaces glutamine 256 with a stop codon.
Molecular consequence: nonsense.
Genome position (GRCh38, 1-based): chr19:54,145,972, C>T. VCF-style: chr19-54145972-C-T. GRCh37 (hg19) VCF-style: chr19-54649708-C-T.
Other names: short protein forms Q256*.
Identifiers: ClinVar variation 3234781 (VCV003234781.20), dbSNP rs2517595954, ClinGen allele CA407761795.

ClinVar aggregate classification (germline): Pathogenic (1 of 4 stars; one submission).

Submission:

CeGaT Center for Human Genetics Tuebingen
Classification: Pathogenic. Last evaluated: 2024-04-01. Review status: criteria provided, single submitter. Criteria: CeGaT Center For Human Genetics Tuebingen Variant Classification Criteria Version 2. Collection method: clinical testing. Allele origin: germline. Affected: yes. Observed: 1 variant allele.
Comment: CNOT3: PVS1, PM2